The following is an entry in ClinVar:

NM_001127222.2(CACNA1A):c.5966G>A (p.Arg1989His)

Gene: CACNA1A (calcium voltage-gated channel subunit alpha1 A; minus strand). Cytogenetic location: 19p13.13.
Variant type: single nucleotide variant.
Coding change: c.5966G>A on transcript NM_001127222.2 (MANE Select); coding-DNA position 5966, G replaced by A.
Protein change: p.Arg1989His; replaces arginine 1989 with histidine.
Molecular consequence: missense variant.
Genome position (GRCh38, 1-based): chr19:13,212,715, C>T on the plus strand (G>A on the coding strand, the complement: CACNA1A is on the minus strand). VCF-style: chr19-13212715-C-T. GRCh37 (hg19) VCF-style: chr19-13323529-C-T.
Other names: c.5984G>A, p.Arg1995His (NM_000068.4, NM_023035.3); c.5969G>A, p.Arg1990His (NM_001127221.2); c.5975G>A, p.Arg1992His (NM_001174080.2); short protein forms R1989H, R1995H, R1990H, R1992H.
Identifiers: ClinVar variation 1444155 (VCV001444155.8), dbSNP rs1178337230, ClinGen allele CA404333611.

ClinVar aggregate classification (germline): Uncertain significance (1 of 4 stars; one submission).

Conditions:
Episodic ataxia type 2 (EA2). Also called: ACETAZOLAMIDE-RESPONSIVE HEREDITARY PAROXYSMAL CEREBELLAR ATAXIA; EPISODIC ATAXIA, NYSTAGMUS-ASSOCIATED; ATAXIA, EPISODIC, WITH NYSTAGMUS; ATAXIA, FAMILIAL PAROXYSMAL; CEREBELLAR ATAXIA, PAROXYSMAL, ACETAZOLAMIDE-RESPONSIVE; CEREBELLOPATHY, HEREDITARY PAROXYSMAL. Identifiers: Orphanet 97, MedGen C1720416, MONDO:0007163, OMIM 108500.
Developmental and epileptic encephalopathy, 42 (DEE42A). Also called: DEVELOPMENTAL AND EPILEPTIC ENCEPHALOPATHY 42A; EPILEPTIC ENCEPHALOPATHY, EARLY INFANTILE, 42A; Epileptic encephalopathy, early infantile, 42. Identifiers: MedGen C4310716, MONDO:0014917, OMIM 617106.

Allele frequency attached by ClinVar (database versions not stated): gnomAD 0.00001; TOPMed 0.00002.

Submission:

Labcorp Genetics (formerly Invitae), Labcorp
Classification: Uncertain significance for Developmental and epileptic encephalopathy, 42; Episodic ataxia type 2. Last evaluated: 2024-03-02. Review status: criteria provided, single submitter. Criteria: Invitae Variant Classification Sherloc (09022015). Collection method: clinical testing. Allele origin: germline.
Comment: This sequence change replaces arginine, which is basic and polar, with histidine, which is basic and polar, at codon 1990 of the CACNA1A protein (p.Arg1990His). This variant is not present in population databases (gnomAD no frequency). This variant has not been reported in the literature in individuals affected with CACNA1A-related conditions. ClinVar contains an entry for this variant (Variation ID: 1444155). Advanced modeling of protein sequence and biophysical properties (such as structural, functional, and spatial information, amino acid conservation, physicochemical variation, residue mobility, and thermodynamic stability) has been performed at Invitae for this missense variant, however the output from this modeling did not meet the statistical confidence thresholds required to predict the impact of this variant on CACNA1A protein function. In summary, the available evidence is currently insufficient to determine the role of this variant in disease. Therefore, it has been classified as a Variant of Uncertain Significance.